The following is an entry in ClinVar:

ClinVar aggregate classification (germline): Uncertain significance (1 of 4 stars; one submission).

Conditions:
Early Myoclonic Encephalopathy. Identifiers: MedGen C0270855.

Submission:

Labcorp Genetics (formerly Invitae), Labcorp
Classification: Uncertain significance for Early myoclonic encephalopathy. Last evaluated: 2018-10-04. Review status: criteria provided, single submitter. Criteria: Invitae Variant Classification Sherloc (09022015). Collection method: clinical testing. Allele origin: germline.
Comment: This sequence change replaces tyrosine with cysteine at codon 99 of the KCND2 protein (p.Tyr99Cys). The tyrosine residue is highly conserved and there is a large physicochemical difference between tyrosine and cysteine. This variant is not present in population databases (ExAC no frequency). This variant has not been reported in the literature in individuals with KCND2-related disease. Algorithms developed to predict the effect of missense changes on protein structure and function are either unavailable or do not agree on the potential impact of this missense change (SIFT: "Deleterious"; PolyPhen-2: "Probably Damaging"; Align-GVGD: "Class C0"). In summary, the available evidence is currently insufficient to determine the role of this variant in disease. Therefore, it has been classified as a Variant of Uncertain Significance.

NM_012281.3(KCND2):c.296A>G (p.Tyr99Cys)

Gene: KCND2 (potassium voltage-gated channel subfamily D member 2; plus strand). Cytogenetic location: 7q31.31.
Variant type: single nucleotide variant.
Coding change: c.296A>G on transcript NM_012281.3 (MANE Select); coding-DNA position 296, A replaced by G.
Protein change: p.Tyr99Cys; replaces tyrosine 99 with cysteine.
Molecular consequence: missense variant.
Genome position (GRCh38, 1-based): chr7:120,274,928, A>G. VCF-style: chr7-120274928-A-G. GRCh37 (hg19) VCF-style: chr7-119914982-A-G.
Other names: short protein forms Y99C.
Identifiers: ClinVar variation 639013 (VCV000639013.1), dbSNP rs1584706364, ClinGen allele CA369131279.